The following is an entry in ClinVar:

NM_015915.5(ATL1):c.1673T>A (p.Met558Lys)

Gene: ATL1 (atlastin GTPase 1; plus strand). Cytogenetic location: 14q22.1.
Variant type: single nucleotide variant.
Coding change: c.1673T>A on transcript NM_015915.5 (MANE Select); coding-DNA position 1673, T replaced by A.
Protein change: p.Met558Lys; replaces methionine 558 with lysine.
Molecular consequence: missense variant.
Genome position (GRCh38, 1-based): chr14:50,632,335, T>A. VCF-style: chr14-50632335-T-A. GRCh37 (hg19) VCF-style: chr14-51099053-T-A.
Other names: c.1658T>A, p.Met553Lys (NM_001127713.1, NM_181598.4); short protein forms M558K, M553K.
Identifiers: ClinVar variation 957860 (VCV000957860.9), dbSNP rs1351389277, ClinGen allele CA389679116.

ClinVar aggregate classification (germline): Uncertain significance. Review status: criteria provided, multiple submitters, no conflicts (2 of 4 stars). 2 submissions from 2 submitters: Uncertain significance (2). Last evaluated 2025-04-21.

Conditions:
Hereditary spastic paraplegia 3A (SPG3A). Also called: Spastic paraplegia 3A, autosomal dominant; SPASTIC PARAPLEGIA 3, AUTOSOMAL DOMINANT; FAMILIAL SPASTIC PARAPLEGIA, AUTOSOMAL DOMINANT, 1; SPG3; STRUMPELL DISEASE; Spastic Paraplegia 3A. Identifiers: Orphanet 100984, MedGen C2931355, MONDO:0008437, OMIM 182600.

Allele frequency attached by ClinVar (database versions not stated): TOPMed 0.00001.
gnomAD v4.1: 34 of 1,600,596 alleles (0.0021%); highest among the groups gnomAD compares: Non-Finnish European, 0.0021%; no homozygotes.

Submissions (2):

Labcorp Genetics (formerly Invitae), Labcorp
Classification: Uncertain significance for Hereditary spastic paraplegia 3A. Last evaluated: 2025-04-21. Review status: criteria provided, single submitter. Criteria: Invitae Variant Classification Sherloc (09022015). Collection method: clinical testing. Allele origin: germline.
Comment: This sequence change replaces methionine, which is neutral and non-polar, with lysine, which is basic and polar, at codon 558 of the ATL1 protein (p.Met558Lys). This variant is present in population databases (no rsID available, gnomAD 0.007%). This variant has not been reported in the literature in individuals affected with ATL1-related conditions. ClinVar contains an entry for this variant (Variation ID: 957860). Invitae Evidence Modeling of protein sequence and biophysical properties (such as structural, functional, and spatial information, amino acid conservation, physicochemical variation, residue mobility, and thermodynamic stability) has been performed for this missense variant. However, the output from this modeling did not meet the statistical confidence thresholds required to predict the impact of this variant on ATL1 protein function. In summary, the available evidence is currently insufficient to determine the role of this variant in disease. Therefore, it has been classified as a Variant of Uncertain Significance.

GeneDx
Classification: Uncertain significance. Last evaluated: 2023-11-06. Review status: criteria provided, single submitter. Criteria: GeneDx Variant Classification Process June 2021. Collection method: clinical testing. Allele origin: germline. Affected: yes.
Comment: Not observed at significant frequency in large population cohorts (gnomAD); In silico analysis supports that this missense variant does not alter protein structure/function; Has not been previously published as pathogenic or benign to our knowledge; This variant is associated with the following publications: (PMID: 23334294)